The following is an entry in ClinVar:

ClinVar aggregate classification (germline): Uncertain significance (1 of 4 stars; one submission).

Submission:

Ambry Genetics
Classification: Uncertain significance. Last evaluated: 2024-12-13. Review status: criteria provided, single submitter. Criteria: Ambry Variant Classification Scheme 2023. Collection method: clinical testing. Allele origin: germline.
Comment: The p.L1287R variant (also known as c.3860T>G), located in coding exon 8 of the MLH3 gene, results from a T to G substitution at nucleotide position 3860. The leucine at codon 1287 is replaced by arginine, an amino acid with dissimilar properties. This amino acid position is conserved. In addition, this alteration is predicted to be deleterious by in silico analysis. Based on the available evidence, the clinical significance of this variant remains unclear.

NM_001040108.2(MLH3):c.3860T>G (p.Leu1287Arg)

Gene: MLH3 (mutL homolog 3; minus strand). Cytogenetic location: 14q24.3.
Variant type: single nucleotide variant.
Coding change: c.3860T>G on transcript NM_001040108.2 (MANE Select); coding-DNA position 3860, T replaced by G.
Protein change: p.Leu1287Arg; replaces leucine 1287 with arginine.
Molecular consequence: missense variant.
Genome position (GRCh38, 1-based): chr14:75,030,670, A>C on the plus strand (T>G on the coding strand, the complement: MLH3 is on the minus strand). VCF-style: chr14-75030670-A-C. GRCh37 (hg19) VCF-style: chr14-75497373-A-C.
Other names: c.3788T>G, p.Leu1263Arg (NM_014381.3); short protein forms L1263R, L1287R.
Identifiers: ClinVar variation 3873471 (VCV003873471.1).
Genomic context (GRCh38, chr14:75,030,670, plus strand): 5'-CATAGTGGTACTTTTCCCACAAGGACCAGAGAATCACTAGTGTCTGGAAATACAAATTCA[A>C]GGCCCAGATCTTCCAGATTTTTGTGGTAACACCTAAAGAGATAACCTCAAATGTTAAAAA-3'
Protein context (NP_001035197.1, residues 1277-1297): CYHKNLEDLG[Leu1287Arg]EFVFPDTSDS